The following is an entry in ClinVar:

ClinVar aggregate classification (germline): Uncertain significance. Review status: criteria provided, multiple submitters, no conflicts (2 of 4 stars). 3 submissions from 3 submitters: Uncertain significance (3). Last evaluated 2024-09-19.

Conditions:
Hereditary cancer-predisposing syndrome. Also called: Neoplastic Syndromes, Hereditary; Tumor predisposition; Hereditary Cancer Syndrome; Hereditary neoplastic syndrome. Identifiers: Orphanet 140162, MedGen C0027672, MeSH D009386, MONDO:0015356.
Familial cancer of breast. Also called: BREAST CANCER, FAMILIAL; hereditary breast carcinoma; Hereditary breast cancer. Identifiers: Orphanet 227535, MedGen C0346153, MONDO:0016419, OMIM 114480. Disease mechanism: loss of function.

Submissions (3):

Ambry Genetics
Classification: Uncertain significance for Hereditary cancer-predisposing syndrome. Last evaluated: 2024-09-19. Review status: criteria provided, single submitter. Criteria: Ambry Variant Classification Scheme 2023. Collection method: clinical testing. Allele origin: germline.
Comment: The p.I258V variant (also known as c.772A>G), located in coding exon 5 of the CHEK2 gene, results from an A to G substitution at nucleotide position 772. The isoleucine at codon 258 is replaced by valine, an amino acid with highly similar properties. This amino acid position is not well conserved in available vertebrate species. In addition, this alteration is predicted to be tolerated by in silico analysis. Based on the available evidence, the clinical significance of this variant remains unclear.

Labcorp Genetics (formerly Invitae), Labcorp
Classification: Uncertain significance for Familial cancer of breast. Last evaluated: 2023-11-27. Review status: criteria provided, single submitter. Criteria: Invitae Variant Classification Sherloc (09022015). Collection method: clinical testing. Allele origin: germline.
Comment: This sequence change replaces isoleucine, which is neutral and non-polar, with valine, which is neutral and non-polar, at codon 258 of the CHEK2 protein (p.Ile258Val). This variant is not present in population databases (gnomAD no frequency). This variant has not been reported in the literature in individuals affected with CHEK2-related conditions. ClinVar contains an entry for this variant (Variation ID: 230657). Algorithms developed to predict the effect of missense changes on protein structure and function output the following: SIFT: "Not Available"; PolyPhen-2: "Benign"; Align-GVGD: "Not Available". The valine amino acid residue is found in multiple mammalian species, which suggests that this missense change does not adversely affect protein function. In summary, the available evidence is currently insufficient to determine the role of this variant in disease. Therefore, it has been classified as a Variant of Uncertain Significance.

Women's Health and Genetics/Laboratory Corporation of America, LabCorp
Classification: Uncertain significance. Last evaluated: 2018-08-13. Review status: criteria provided, single submitter. Criteria: LabCorp Variant Classification Summary - May 2015. Collection method: clinical testing. Allele origin: germline.
Comment: Variant summary: CHEK2 c.772A>G (p.Ile258Val) results in a conservative amino acid change located in the Protein kinase domain of the encoded protein sequence. Five of five in-silico tools predict a benign effect of the variant on protein function. The variant was absent in 246058 control chromosomes (gnomAD). The available data on variant occurrences in the general population are insufficient to allow any conclusion about variant significance. To our knowledge, no occurrence of c.772A>G in individuals affected with Hereditary Breast and Ovarian Cancer and no experimental evidence demonstrating its impact on protein function have been reported. A ClinVar submission from another clinical diagnostic laboratory (evaluation after 2014) cites the variant as "uncertain significance." Based on the evidence outlined above, the variant was classified as uncertain significance.

NM_007194.4(CHEK2):c.772A>G (p.Ile258Val)

Gene: CHEK2 (checkpoint kinase 2; minus strand). Cytogenetic location: 22q12.1.
Variant type: single nucleotide variant.
Coding change: c.772A>G on transcript NM_007194.4 (MANE Select); coding-DNA position 772, A replaced by G.
Protein change: p.Ile258Val; replaces isoleucine 258 with valine.
Molecular consequence: missense variant.
Genome position (GRCh38, 1-based): chr22:28,711,929, T>C on the plus strand (A>G on the coding strand, the complement: CHEK2 is on the minus strand). VCF-style: chr22-28711929-T-C. GRCh37 (hg19) VCF-style: chr22-29107917-T-C.
Other names: c.901A>G, p.Ile301Val (NM_001005735.3); c.109A>G, p.Ile37Val (NM_001257387.3); c.571A>G, p.Ile191Val (NM_001349956.3); c.772A>G, p.Ile258Val (NM_145862.3); short protein forms I258V, I301V, I37V, I191V.
Identifiers: ClinVar variation 230657 (VCV000230657.18), dbSNP rs876658690, ClinGen allele CA10581079.